The following is an entry in ClinVar:

ClinVar aggregate classification (germline): Uncertain significance (1 of 4 stars; one submission).

Submission:

Women's Health and Genetics/Laboratory Corporation of America, LabCorp
Classification: Uncertain significance. Last evaluated: 2023-09-01. Review status: criteria provided, single submitter. Criteria: LabCorp Variant Classification Summary - May 2015. Collection method: clinical testing. Allele origin: germline.
Comment: Variant summary: COL7A1 c.5878G>C (p.Val1960Leu) results in a conservative amino acid change in the encoded protein sequence. Three of five in-silico tools predict a benign effect of the variant on protein function. The variant allele was found at a frequency of 4e-06 in 251090 control chromosomes. The available data on variant occurrences in the general population are insufficient to allow any conclusion about variant significance. c.5878G>C has been reported in the literature in individuals affected with Dystrophic Epidermolysis Bullosa, Recessive (Rossi_2021). These data do not allow any conclusion about variant significance. To our knowledge, no experimental evidence demonstrating an impact on protein function has been reported. The following publication have been ascertained in the context of this evaluation (PMID: 33274474). No submitters have cited clinical-significance assessments for this variant to ClinVar after 2014. Based on the evidence outlined above, the variant was classified as uncertain significance.

Literature cited by the submitters: PubMed 33274474.

NM_000094.4(COL7A1):c.5878G>C (p.Val1960Leu)

Gene: COL7A1 (collagen type VII alpha 1 chain; minus strand). Cytogenetic location: 3p21.31.
Variant type: single nucleotide variant.
Coding change: c.5878G>C on transcript NM_000094.4 (MANE Select); coding-DNA position 5878, G replaced by C.
Protein change: p.Val1960Leu; replaces valine 1960 with leucine.
Molecular consequence: missense variant.
Genome position (GRCh38, 1-based): chr3:48,575,727, C>G on the plus strand (G>C on the coding strand, the complement: COL7A1 is on the minus strand). VCF-style: chr3-48575727-C-G. GRCh37 (hg19) VCF-style: chr3-48613160-C-G.
Other names: short protein forms V1960L.
Identifiers: ClinVar variation 2627309 (VCV002627309.1), dbSNP rs757528046, ClinGen allele CA73977097.
Genomic context (GRCh38, chr3:48,575,727, plus strand): 5'-GGCCTCGACGCCGTTCGGGCACAGGCAGGAAGCTACCAGAGCTCTCATCCCAGGTCTCCA[C>G]GATCTCCCGCAGGGCAGATGCCTGAGGGACAGCAAGAGGTCAGAGGAGCGGGGTGCGTCG-3'
Protein context (NP_000085.1, residues 1950-1970): GIKASALREI[Val1960Leu]ETWDESSGSF